The following is an entry in ClinVar:

ClinVar aggregate classification (germline): Uncertain significance (1 of 4 stars; one submission).

Allele frequency attached by ClinVar (database versions not stated): gnomAD exomes below 0.00001; TOPMed below 0.00001.
gnomAD v4.1: 7 of 1,613,402 alleles (0.00043%); highest among the groups gnomAD compares: Non-Finnish European, 0.00051%; no homozygotes.

Submission:

Labcorp Genetics (formerly Invitae), Labcorp
Classification: Uncertain significance. Last evaluated: 2022-02-28. Review status: criteria provided, single submitter. Criteria: Invitae Variant Classification Sherloc (09022015). Collection method: clinical testing. Allele origin: germline.
Comment: In summary, the available evidence is currently insufficient to determine the role of this variant in disease. Therefore, it has been classified as a Variant of Uncertain Significance. Algorithms developed to predict the effect of missense changes on protein structure and function are either unavailable or do not agree on the potential impact of this missense change (SIFT: "Deleterious"; PolyPhen-2: "Possibly Damaging"; Align-GVGD: "Class C0"). This variant has not been reported in the literature in individuals affected with DENND5A-related conditions. This variant is not present in population databases (gnomAD no frequency). This sequence change replaces asparagine, which is neutral and polar, with serine, which is neutral and polar, at codon 1033 of the DENND5A protein (p.Asn1033Ser).

NM_015213.4(DENND5A):c.3098A>G (p.Asn1033Ser)

Gene: DENND5A (DENN domain containing 5A; minus strand). Cytogenetic location: 11p15.4.
Variant type: single nucleotide variant.
Coding change: c.3098A>G on transcript NM_015213.4 (MANE Select); coding-DNA position 3098, A replaced by G.
Protein change: p.Asn1033Ser; replaces asparagine 1033 with serine.
Molecular consequence: missense variant. On other transcripts: non-coding transcript variant (1).
Genome position (GRCh38, 1-based): chr11:9,145,019, T>C on the plus strand (A>G on the coding strand, the complement: DENND5A is on the minus strand). VCF-style: chr11-9145019-T-C. GRCh37 (hg19) VCF-style: chr11-9166566-T-C.
Other names: c.3098A>G, p.Asn1033Ser (NM_001243254.2, NM_001348748.1); c.3026A>G, p.Asn1009Ser (NM_001348749.2); c.2810A>G, p.Asn937Ser (NM_001348750.2); short protein forms N1033S, N937S, N1009S.
Identifiers: ClinVar variation 1913422 (VCV001913422.3), dbSNP rs1368921238, ClinGen allele CA379601656.
Genomic context (GRCh38, chr11:9,145,019, plus strand): 5'-TTGCCCCTCTACCTTACAGCCTGAGGGTATACTTACTTGTAGGTATGTCCTGTGATCTCA[T>C]TCCTGACCATCACATACTCCACCAGCCATTTGGCATACAGCCCAGAGTTATCATGGCCAA-3'
Protein context (NP_056028.2, residues 1023-1043): KWLVEYVMVR[Asn1033Ser]EITGHTYKFP